The following is an entry in ClinVar:

ClinVar aggregate classification (germline): Pathogenic. Review status: criteria provided, multiple submitters, no conflicts (2 of 4 stars). 4 submissions from 4 submitters: Pathogenic (3). 1 of the submissions does not count toward it. Last evaluated 2020-07-02.

Conditions:
Ehlers-Danlos syndrome, type 4 (EDSVASC). Also called: Ehlers-Danlos syndrome vascular type; Ehlers Danlos syndrome, ecchymotic type; Ehlers Danlos syndrome, arterial type; Ehlers Danlos syndrome, Sack-Barabas type; Ehlers-Danlos Syndrome Type IV. Identifiers: Orphanet 286, MedGen C0268338, MONDO:0017314, OMIM 130050.
Polymicrogyria with or without vascular-type Ehlers-Danlos syndrome. Identifiers: Orphanet 636941, MedGen C5193040, MONDO:0032688, OMIM 618343.
Familial thoracic aortic aneurysm and aortic dissection (TAAD). Also called: Thoracic aortic aneurysms and dissections. Identifiers: Orphanet 91387, MedGen C4707243, MONDO:0019625.

Submissions (4):

Victorian Clinical Genetics Services, Murdoch Childrens Research Institute
Classification: Pathogenic for Ehlers-Danlos syndrome, type 4. Last evaluated: 2020-07-02. Review status: criteria provided, single submitter. Criteria: ACMG Guidelines, 2015. Collection method: clinical testing. Allele origin: germline. Inheritance: Autosomal dominant inheritance. Affected: yes.
Comment: Based on the classification scheme VCGS_Germline_v1.3.2, this variant is classified as Pathogenic. Following criteria are met: 0103 - Dominant negative and loss of function are known mechanisms of disease in this gene and are associated with vascular Ehlers-Danlos syndrome. Haploinsufficiency as a result of null alleles appears to confer delayed onset, and milder clinical course (PMID: 2934645; 21637106). Dominant-negative as a result of missense variants affecting glycine residues in the Gly-X-Y repeat within the triple helical region (PMID: 2934645). (I) 0108 - This gene is associated with both recessive and dominant disease. Vascular Ehlers-Danlos syndrome (EDS), AD; Polymicrogyria with or without vascular EDS, AR (OMIM). (I) 0200 - Variant is predicted to result in a missense amino acid change from glycine to aspartic acid (exon 8). (I) 0251 - This variant is heterozygous. (I) 0301 - Variant is absent from gnomAD (both v2 and v3). (SP) 0501 - Missense variant consistently predicted to be damaging by multiple in silico tools and highly conserved with a moderate amino acid change. (SP) 0601 - Variant is located in the well-established functional collagen triple helix domain and affecting the glycine of the G-X-Y repeats (PDB). (SP) 0801 - This variant has strong previous evidence of pathogenicity in unrelated individuals. The variant has been previously reported in patients with vascular Ehlers-Danlos syndrome (ClinVar, PMID: 22492385, 29940997, 30474650). (SP) 0905 - No published segregation evidence has been identified for this variant. (I) 1007 - No published functional evidence has been identified for this variant. (I) 1208 - Inheritance information for this variant is not currently available in this individual. (I) Legend: (SP) - Supporting pathogenic, (I) - Information, (SB) - Supporting benign

Ambry Genetics
Classification: Pathogenic for Familial thoracic aortic aneurysm and aortic dissection. Last evaluated: 2018-07-24. Review status: criteria provided, single submitter. Criteria: Ambry Variant Classification Scheme 2023. Collection method: clinical testing. Allele origin: germline.
Comment: The p.G222D pathogenic mutation (also known as c.665G>A), located in coding exon 8 of the COL3A1 gene, results from a G to A substitution at nucleotide position 665. The glycine at codon 222 is replaced by aspartic acid, an amino acid with similar properties. The majority (approximately two-thirds) of COL3A1 mutations identified to date have involved the substitution of another amino acid for glycine within the triple-helical domain (Pepin MG et al. Genet Med. 2014;16(12):881-8; Frank M et al. Eur J Hum Genet. 2015;23(12):1657-64). This particular glycine substitution has been reported in several Ehlers-Danlos syndrome type IV (EDS, vascular type) cohorts (Ferr&eacute; FC et al. BMJ Open. 2012;2:e000705; Pepin MG et al. Genet. Med. 2014;16:881-8). Internal structural analysis has demonstrated that this alteration disrupts the characteristic G-X-Y motif in the COL3A1 protein and inserts a bulky side chain into a sterically-constrained region (Bella J et al. Science. 1994;266:75-81; Hohenester E et al. Proc. Natl. Acad. Sci. U.S.A. 2008;105:18273-7; Ambry internal data). A likely pathogenic alteration in the same codon, p.G222V, has also been described (Morissette R et al. Circ Cardiovasc Genet. 2014;7:80-8). Based on the supporting evidence, this alteration is interpreted as a disease-causing mutation.

Juno Genomics, Hangzhou Juno Genomics, Inc
Classification: Pathogenic for Ehlers-Danlos syndrome, type 4; Polymicrogyria with or without vascular-type Ehlers-Danlos syndrome. Review status: criteria provided, single submitter. Criteria: ACMG Guidelines, 2015. Collection method: clinical testing. Allele origin: germline. Affected: yes.
Comment: Absent from controls (or at extremely low frequency if recessive) in Genome Aggregation Database, Exome Sequencing Project, 1000 Genomes Project, or Exome Aggregation Consortium.;Multiple lines of computational evidence support a deleterious effect on the gene or gene product (conservation, evolutionary, splicing impact, etc).;The prevalence of the variant in affected individuals is significantly increased compared to the prevalence in controls.;Assumed de novo, but without confirmation of paternity and maternity.;Patient's phenotype or family history is highly specific for a disease with a single genetic etiology.

Collagen Diagnostic Laboratory, University of Washington
Classification: Pathogenic for Ehlers-Danlos syndrome, type 4. Review status: no assertion criteria provided. Collection method: clinical testing. Allele origin: germline. Affected: yes. Not counted in ClinVar's aggregate classification.

Literature cited by the submitters: PubMed 21637106 (cited by Victorian Clinical Genetics Services, Murdoch Childrens Research Institute); PubMed 22492385 (cited by Victorian Clinical Genetics Services, Murdoch Childrens Research Institute and Ambry Genetics); PubMed 29346445 (cited by Victorian Clinical Genetics Services, Murdoch Childrens Research Institute); PubMed 29940997 (cited by Victorian Clinical Genetics Services, Murdoch Childrens Research Institute and Ambry Genetics); PubMed 30474650 (cited by Victorian Clinical Genetics Services, Murdoch Childrens Research Institute); PubMed 2934645 (cited by Victorian Clinical Genetics Services, Murdoch Childrens Research Institute); PubMed 24922459 (cited by Ambry Genetics); PubMed 25758994 (cited by Ambry Genetics).

NM_000090.4(COL3A1):c.665G>A (p.Gly222Asp)

Gene: COL3A1 (collagen type III alpha 1 chain; plus strand). Cytogenetic location: 2q32.2.
Variant type: single nucleotide variant.
Coding change: c.665G>A on transcript NM_000090.4 (MANE Select); coding-DNA position 665, G replaced by A.
Protein change: p.Gly222Asp; replaces glycine 222 with aspartic acid.
Molecular consequence: missense variant.
Genome position (GRCh38, 1-based): chr2:188,989,424, G>A. VCF-style: chr2-188989424-G-A. GRCh37 (hg19) VCF-style: chr2-189854150-G-A.
Identifiers: ClinVar variation 101393 (VCV000101393.7), dbSNP rs587779518, ClinGen allele CA007217.